The following is an entry in ClinVar:

NM_001378454.1(ALMS1):c.10778A>G (p.Gln3593Arg)

Gene: ALMS1 (ALMS1 centrosome and basal body associated protein; plus strand). Cytogenetic location: 2p13.1.
Variant type: single nucleotide variant.
Coding change: c.10778A>G on transcript NM_001378454.1 (MANE Select); coding-DNA position 10778, A replaced by G.
Protein change: p.Gln3593Arg; replaces glutamine 3593 with arginine.
Molecular consequence: missense variant.
Genome position (GRCh38, 1-based): chr2:73,572,655, A>G. VCF-style: chr2-73572655-A-G. GRCh37 (hg19) VCF-style: chr2-73799782-A-G.
Other names: c.10781A>G, p.Gln3594Arg (NM_015120.4); short protein forms Q3593R, Q3594R.
Identifiers: ClinVar variation 1935272 (VCV001935272.2), dbSNP rs779373684, ClinGen allele CA50386440.

ClinVar aggregate classification (germline): Uncertain significance (1 of 4 stars; one submission).

Conditions:
Alstrom syndrome (ALMS). Identifiers: Orphanet 64, MedGen C0268425, MONDO:0008763, OMIM 203800.

Allele frequency attached by ClinVar (database versions not stated): gnomAD 0.00001; gnomAD exomes 0.00001; TOPMed 0.00002.
gnomAD v4.1: 12 of 1,613,988 alleles (0.00074%); highest among the groups gnomAD compares: Non-Finnish European, 0.001%; no homozygotes.

Submission:

Labcorp Genetics (formerly Invitae), Labcorp
Classification: Uncertain significance for Alstrom syndrome. Last evaluated: 2021-04-11. Review status: criteria provided, single submitter. Criteria: Invitae Variant Classification Sherloc (09022015). Collection method: clinical testing. Allele origin: germline.
Comment: This sequence change replaces glutamine with arginine at codon 3594 of the ALMS1 protein (p.Gln3594Arg). The glutamine residue is moderately conserved and there is a small physicochemical difference between glutamine and arginine. This variant is not present in population databases (ExAC no frequency). This variant has not been reported in the literature in individuals with ALMS1-related conditions. Experimental studies and prediction algorithms are not available or were not evaluated, and the functional significance of this variant is currently unknown. In summary, the available evidence is currently insufficient to determine the role of this variant in disease. Therefore, it has been classified as a Variant of Uncertain Significance.